The following is an entry in ClinVar:

ClinVar aggregate classification (germline): Pathogenic. Review status: criteria provided, multiple submitters, no conflicts (2 of 4 stars). 2 submissions from 2 submitters: Pathogenic (2). Last evaluated 2022-12-16.

Conditions:
Early-infantile DEE. Also called: Early infantile epileptic encephalopathy with suppression bursts; Early infantile epileptic encephalopathy; Ohtahara syndrome. Identifiers: Orphanet 1934, MedGen C0393706, MONDO:0800491.

Submissions (3):

GeneDx
Classification: Pathogenic. Last evaluated: 2022-12-16. Review status: criteria provided, single submitter. Criteria: GeneDx Variant Classification Process June 2021. Collection method: clinical testing. Allele origin: germline. Affected: yes.
Comment: This substitution is predicted to be within the extracellular loop between the S5 and S6 transmembrane segments of the second homologous domain; Not observed at significant frequency in large population cohorts (gnomAD); Missense variants in this gene are often considered pathogenic (HGMD); In silico analysis supports that this missense variant has a deleterious effect on protein structure/function; Has not been previously published as pathogenic or benign to our knowledge

Labcorp Genetics (formerly Invitae), Labcorp
Classification: Pathogenic for Early-infantile DEE. Last evaluated: 2022-08-23. Review status: criteria provided, single submitter. Criteria: Invitae Variant Classification Sherloc (09022015). Collection method: clinical testing. Allele origin: germline.
Comment: For these reasons, this variant has been classified as Pathogenic. This variant disrupts the p.Met934 amino acid residue in SCN1A. Other variant(s) that disrupt this residue have been determined to be pathogenic (PMID: 14738421, 23195492). This suggests that this residue is clinically significant, and that variants that disrupt this residue are likely to be disease-causing. Advanced modeling of protein sequence and biophysical properties (such as structural, functional, and spatial information, amino acid conservation, physicochemical variation, residue mobility, and thermodynamic stability) performed at Invitae indicates that this missense variant is expected to disrupt SCN1A protein function. ClinVar contains an entry for this variant (Variation ID: 574036). This missense change has been observed in individual(s) with clinical features of SCN1A-related conditions (Invitae). In at least one individual the variant was observed to be de novo. This variant is not present in population databases (gnomAD no frequency). This sequence change replaces methionine, which is neutral and non-polar, with valine, which is neutral and non-polar, at codon 934 of the SCN1A protein (p.Met934Val).

Dr. Peter K. Rogan Lab, Western University
No classification provided (evidence only). Condition: Lung cancer. Review status: no classification provided. Collection method: in vitro. Allele origin: not applicable. Functional consequence: retained intron. Not counted in ClinVar's aggregate classification.

Literature cited by the submitters: PubMed 14738421 (cited by Labcorp Genetics (formerly Invitae), Labcorp); PubMed 23195492 (cited by Labcorp Genetics (formerly Invitae), Labcorp).

NM_001165963.4(SCN1A):c.2800A>G (p.Met934Val)

Gene: SCN1A (sodium voltage-gated channel alpha subunit 1; minus strand). Cytogenetic location: 2q24.3.
Variant type: single nucleotide variant.
Coding change: c.2800A>G on transcript NM_001165963.4 (MANE Select); coding-DNA position 2800, A replaced by G.
Protein change: p.Met934Val; replaces methionine 934 with valine.
Molecular consequence: missense variant. On other transcripts: non-coding transcript variant (1).
Genome position (GRCh38, 1-based): chr2:166,037,922, T>C on the plus strand (A>G on the coding strand, the complement: SCN1A is on the minus strand). VCF-style: chr2-166037922-T-C. GRCh37 (hg19) VCF-style: chr2-166894432-T-C.
Other names: c.2716A>G, p.Met906Val (NM_001165964.3, NM_001353957.2, NM_001353958.2); c.2800A>G, p.Met934Val (NM_001202435.3, NM_001353948.2); c.2767A>G, p.Met923Val (NM_001353949.2, NM_001353950.2, NM_001353951.2 and 2 more transcripts); c.2764A>G, p.Met922Val (NM_001353954.2, NM_001353955.2); c.2713A>G, p.Met905Val (NM_001353960.2); c.358A>G, p.Met120Val (NM_001353961.2); short protein forms M934V, M923V, M120V, M906V, M905V, M922V.
Identifiers: ClinVar variation 574036 (VCV000574036.9), dbSNP rs1559199628, ClinGen allele CA349061347.